The following is an entry in ClinVar:

ClinVar aggregate classification (germline): Pathogenic (1 of 4 stars; one submission).

Submission:

Labcorp Genetics (formerly Invitae), Labcorp
Classification: Pathogenic. Last evaluated: 2024-01-10. Review status: criteria provided, single submitter. Criteria: Invitae Variant Classification Sherloc (09022015). Collection method: clinical testing. Allele origin: unknown.
Comment: A gross deletion of the genomic region encompassing the full coding sequence of the VLDLR gene has been identified. Loss-of-function variants in VLDLR are known to be pathogenic (PMID: 18043714, 18326629, 22532556). The boundaries of this event are unknown as they extend beyond the assayed region for this gene and therefore may encompass additional genes. A similar copy number variant has been observed in individual(s) with cerebellar ataxia, intellectual disability and dysequilibrium syndrome (PMID: 16080122). For these reasons, this variant has been classified as Pathogenic.

Literature cited by the submitters: PubMed 18043714; PubMed 18326629; PubMed 22532556; PubMed 16080122.

NC_000009.11:g.(?_2622190)_(2653868_?)del

Gene: VLDLR (very low density lipoprotein receptor; plus strand). Cytogenetic location: 9p24.2.
Variant type: Deletion.
Identifiers: ClinVar variation 3245313 (VCV003245313.1).